The following is an entry in ClinVar:

ClinVar aggregate classification (germline): Benign (1 of 4 stars; one submission).

Allele frequency attached by ClinVar (database versions not stated): gnomAD 0.02134 and 0.02265; TOPMed 0.02430; 1000 Genomes Project 0.02676; 1000 Genomes Project 30x 0.02748.
gnomAD v4.1: 3,227 of 152,258 alleles (2.1%); highest among the groups gnomAD compares: African/African-American, 7.3%; 134 homozygotes.

Submission:

GeneDx
Classification: Benign. Last evaluated: 2018-06-19. Review status: criteria provided, single submitter. Criteria: GeneDx Variant Classification (06012015). Collection method: clinical testing. Allele origin: germline. Affected: yes.
Comment: This variant is considered likely benign or benign based on one or more of the following criteria: it is a conservative change, it occurs at a poorly conserved position in the protein, it is predicted to be benign by multiple in silico algorithms, and/or has population frequency not consistent with disease.

NM_000350.3(ABCA4):c.4129-278G>T

Gene: ABCA4 (ATP binding cassette subfamily A member 4; minus strand). Cytogenetic location: 1p22.1.
Variant type: single nucleotide variant.
Coding change: c.4129-278G>T on transcript NM_000350.3 (MANE Select); 278 bases into the intron before coding-DNA position 4129, G replaced by T.
Molecular consequence: intron variant.
Genome position (GRCh38, 1-based): chr1:94,031,398, C>A on the plus strand (G>T on the coding strand, the complement: ABCA4 is on the minus strand). VCF-style: chr1-94031398-C-A. GRCh37 (hg19) VCF-style: chr1-94496954-C-A.
Identifiers: ClinVar variation 674084 (VCV000674084.1), dbSNP rs78752241, ClinGen allele CA26855178.
Genomic context (GRCh38, chr1:94,031,398, plus strand): 5'-TGAATGCAGCCCAGTGTTCAGCCAGACTTCAAAGGGCATTTCAAAGAGCAAGTCACGTGA[C>A]TCACTGTTCTTTAAACCAGAGCTTCTTTTTCTAAATTAAACAACATTAAAAGAAAAAAGA-3'